The following is an entry in ClinVar:

ClinVar aggregate classification (germline): Uncertain significance (1 of 4 stars; one submission).

Conditions:
Cardiovascular phenotype. Identifiers: MedGen CN230736.

Allele frequency attached by ClinVar (database versions not stated): gnomAD 0.00001.
gnomAD v4.1: 10 of 1,614,056 alleles (0.00062%); highest among the groups gnomAD compares: South Asian, 0.0033%; no homozygotes.

Submission:

Ambry Genetics
Classification: Uncertain significance for Cardiovascular phenotype. Last evaluated: 2022-07-06. Review status: criteria provided, single submitter. Criteria: Ambry Variant Classification Scheme 2023. Collection method: clinical testing. Allele origin: germline.
Comment: The p.A1217T variant (also known as c.3649G>A), located in coding exon 24 of the ABCA1 gene, results from a G to A substitution at nucleotide position 3649. The alanine at codon 1217 is replaced by threonine, an amino acid with similar properties. This amino acid position is conserved. In addition, the in silico prediction for this alteration is inconclusive. Since supporting evidence is limited at this time, the clinical significance of this alteration remains unclear.

NM_005502.4(ABCA1):c.3649G>A (p.Ala1217Thr)

Gene: ABCA1 (ATP binding cassette subfamily A member 1; minus strand). Cytogenetic location: 9q31.1.
Variant type: single nucleotide variant.
Coding change: c.3649G>A on transcript NM_005502.4 (MANE Select); coding-DNA position 3649, G replaced by A.
Protein change: p.Ala1217Thr; replaces alanine 1217 with threonine.
Molecular consequence: missense variant.
Genome position (GRCh38, 1-based): chr9:104,816,232, C>T on the plus strand (G>A on the coding strand, the complement: ABCA1 is on the minus strand). VCF-style: chr9-104816232-C-T. GRCh37 (hg19) VCF-style: chr9-107578513-C-T.
Other names: short protein forms A1217T.
Identifiers: ClinVar variation 1733576 (VCV001733576.2), dbSNP rs1831744845, ClinGen allele CA374318102.